The following is an entry in ClinVar:

NM_001009944.3(PKD1):c.4490G>A (p.Ser1497Asn)

Gene: PKD1 (polycystin 1, transient receptor potential channel interacting; minus strand). Cytogenetic location: 16p13.3.
Variant type: single nucleotide variant.
Coding change: c.4490G>A on transcript NM_001009944.3 (MANE Select); coding-DNA position 4490, G replaced by A.
Protein change: p.Ser1497Asn; replaces serine 1497 with asparagine.
Molecular consequence: missense variant.
Genome position (GRCh38, 1-based): chr16:2,110,677, C>T on the plus strand (G>A on the coding strand, the complement: PKD1 is on the minus strand). VCF-style: chr16-2110677-C-T. GRCh37 (hg19) VCF-style: chr16-2160678-C-T.
Other names: c.4490G>A, p.Ser1497Asn (NM_000296.4); c.4490G>A (NM_000296.3); short protein forms S1497N.
Identifiers: ClinVar variation 3765908 (VCV003765908.2).

ClinVar aggregate classification (germline): Uncertain significance. Review status: criteria provided, multiple submitters, no conflicts (2 of 4 stars). 2 submissions from 2 submitters: Uncertain significance (2). Last evaluated 2025-01-19.

Conditions:
Inborn genetic diseases. Identifiers: MedGen C0950123, MeSH D030342.

gnomAD v4.1: 11 of 1,610,326 alleles (0.00068%); highest among the groups gnomAD compares: Admixed American, 0.018%; no homozygotes.

Submissions (2):

Ambry Genetics
Classification: Uncertain significance for Inborn genetic diseases. Last evaluated: 2025-01-19. Review status: criteria provided, single submitter. Criteria: Ambry Variant Classification Scheme 2023. Collection method: clinical testing. Allele origin: germline.

GeneDx
Classification: Uncertain significance. Last evaluated: 2024-09-03. Review status: criteria provided, single submitter. Criteria: GeneDx Variant Classification Process June 2021. Collection method: clinical testing. Allele origin: germline. Affected: yes.
Comment: In silico analysis indicates that this missense variant does not alter protein structure/function; Has not been previously published as pathogenic or benign to our knowledge